The following is an entry in ClinVar:

ClinVar aggregate classification (germline): Benign (1 of 4 stars; one submission).

Conditions:
Stuve-Wiedemann syndrome (STWS). Also called: Stüve-Wiedemann syndrome. Identifiers: Orphanet 3206, MedGen C0796176, MONDO:0031280.

Allele frequency attached by ClinVar (database versions not stated): gnomAD exomes 0.00284; gnomAD 0.01819 and 0.01942; TOPMed 0.02022; 1000 Genomes Project 0.02356; 1000 Genomes Project 30x 0.02561.
gnomAD v4.1: 2,942 of 211,564 alleles (1.4%); highest among the groups gnomAD compares: African/African-American, 6.2%; 79 homozygotes.

Submission:

Illumina Laboratory Services, Illumina
Classification: Benign for Stüve-Wiedemann syndrome 1. Last evaluated: 2018-01-13. Review status: criteria provided, single submitter. Criteria: ICSL Variant Classification Criteria 13 December 2019. Collection method: clinical testing. Allele origin: germline.
Comment: This variant was observed in the ICSL laboratory as part of a predisposition screen in an ostensibly healthy population. It had not been previously curated by ICSL or reported in the Human Gene Mutation Database (HGMD: prior to June 1st, 2018), and was therefore a candidate for classification through an automated scoring system. Utilizing variant allele frequency, disease prevalence and penetrance estimates, and inheritance mode, an automated score was calculated to assess if this variant is too frequent to cause the disease. Based on the score and internal cut-off values, a variant classified as benign is not then subjected to further curation. The score for this variant resulted in a classification of benign for this disease.

NM_001127671.2(LIFR):c.*4804C>T

Gene: LIFR (LIF receptor subunit alpha; minus strand). Cytogenetic location: 5p13.1.
Variant type: single nucleotide variant.
Coding change: c.*4804C>T on transcript NM_001127671.2 (MANE Select); 4804 bases downstream of the stop codon, C replaced by T.
Molecular consequence: 3 prime UTR variant.
Genome position (GRCh38, 1-based): chr5:38,476,791, G>A on the plus strand (C>T on the coding strand, the complement: LIFR is on the minus strand). VCF-style: chr5-38476791-G-A. GRCh37 (hg19) VCF-style: chr5-38476893-G-A.
Other names: c.*4804C>T (NM_001364297.2, NM_001364298.2, NM_002310.6).
Identifiers: ClinVar variation 353545 (VCV000353545.5), dbSNP rs55917124, ClinGen allele CA10620398.